The following is an entry in ClinVar:

ClinVar aggregate classification (germline): Uncertain significance. Review status: criteria provided, multiple submitters, no conflicts (2 of 4 stars). 4 submissions from 4 submitters: Uncertain significance (3). 1 of the submissions does not count toward it. Last evaluated 2025-01-11.

Conditions:
DDX41-related hematologic malignancy predisposition syndrome. Also called: Myeloproliferative/lymphoproliferative neoplasms, familial (multiple types), susceptibility to; DDX41-Associated Familial Myelodysplastic Syndrome and Acute Myeloid Leukemia. Identifiers: Orphanet 488647, MedGen C4225174, MONDO:0014809, OMIM 616871.
Inborn genetic diseases. Identifiers: MedGen C0950123, MeSH D030342.

Allele frequency attached by ClinVar (database versions not stated): gnomAD exomes below 0.00001.
gnomAD v4.1: 3 of 1,613,662 alleles (0.00019%); highest among the groups gnomAD compares: Non-Finnish European, 0.00017%; no homozygotes.

Submissions (4):

Ambry Genetics
Classification: Uncertain significance for Inborn genetic diseases. Last evaluated: 2025-01-11. Review status: criteria provided, single submitter. Criteria: Ambry Variant Classification Scheme 2023. Collection method: clinical testing. Allele origin: germline.
Comment: The p.T320I variant (also known as c.959C>T), located in coding exon 10 of the DDX41 gene, results from a C to T substitution at nucleotide position 959. The threonine at codon 320 is replaced by isoleucine, an amino acid with similar properties. This variant was reported in individual(s) with hematologic malignancy (Badar T et al. Haematologica, 2023 Nov;108:3033-3043). This amino acid position is highly conserved in available vertebrate species. In addition, this alteration is predicted to be deleterious by in silico analysis. Based on the available evidence, the clinical significance of this variant remains unclear.

Labcorp Genetics (formerly Invitae), Labcorp
Classification: Uncertain significance. Last evaluated: 2024-10-17. Review status: criteria provided, single submitter. Criteria: Invitae Variant Classification Sherloc (09022015). Collection method: clinical testing. Allele origin: germline.
Comment: This sequence change replaces threonine, which is neutral and polar, with isoleucine, which is neutral and non-polar, at codon 320 of the DDX41 protein (p.Thr320Ile). This variant is not present in population databases (gnomAD no frequency). This missense change has been observed in individual(s) with acute myeloid leukemia (PMID: 35443031, 37199125). ClinVar contains an entry for this variant (Variation ID: 1338592). An algorithm developed to predict the effect of missense changes on protein structure and function (PolyPhen-2) suggests that this variant is likely to be disruptive. In summary, the available evidence is currently insufficient to determine the role of this variant in disease. Therefore, it has been classified as a Variant of Uncertain Significance.

Genetic Services Laboratory, University of Chicago
Classification: Uncertain significance. Last evaluated: 2020-06-25. Review status: criteria provided, single submitter. Criteria: ACMG Guidelines, 2015. Collection method: clinical testing. Allele origin: germline. Affected: no.
Comment: DNA sequence analysis of the DDX41 gene demonstrated a sequence change, c.959C>T, in exon 10 that results in an amino acid change, p.Thr320Ile. This sequence change does not appear to have been previously described in patients with DDX41-related disorders and has also not been described in population databases (gnomAD, ExAC). The p.Thr320Ile change affects a highly conserved amino acid residue located in the DEAD-box domain of the DDX41 protein, a region where other pathogenic variants have been described. The p.Thr320Ile substitution appears to be deleterious using several in-silico pathogenicity prediction tools (SIFT, PolyPhen2, Align GVGD, REVEL). Due to the lack of functional studies, the clinical significance of the p.Thr320Ile change remains unknown at this time.

Clinical Genomics Labs, University Health Network
Classification: Uncertain significance for DDX41-related hematologic malignancy predisposition syndrome. Last evaluated: 2019-10-30. Review status: no assertion criteria provided. Criteria: ACMG Guidelines, 2015. Collection method: clinical testing. Allele origin: germline. Affected: yes. Not counted in ClinVar's aggregate classification.

Literature cited by the submitters: PubMed 37199125 (cited by Ambry Genetics and Labcorp Genetics (formerly Invitae), Labcorp); PubMed 35443031 (cited by Labcorp Genetics (formerly Invitae), Labcorp).

NM_016222.4(DDX41):c.959C>T (p.Thr320Ile)

Gene: DDX41 (DEAD-box helicase 41; minus strand). Cytogenetic location: 5q35.3.
Variant type: single nucleotide variant.
Coding change: c.959C>T on transcript NM_016222.4 (MANE Select); coding-DNA position 959, C replaced by T.
Protein change: p.Thr320Ile; replaces threonine 320 with isoleucine.
Molecular consequence: missense variant.
Genome position (GRCh38, 1-based): chr5:177,513,824, G>A on the plus strand (C>T on the coding strand, the complement: DDX41 is on the minus strand). VCF-style: chr5-177513824-G-A. GRCh37 (hg19) VCF-style: chr5-176940825-G-A.
Other names: c.581C>T, p.Thr194Ile (NM_001321732.2, NM_001321830.2); c.959C>T (NM_016222.2); short protein forms T194I, T320I.
Identifiers: ClinVar variation 1338592 (VCV001338592.8), dbSNP rs2127436611, ClinGen allele CA362374560.